The following is an entry in ClinVar:

NM_033402.5(LRRCC1):c.1626+1G>A

Gene: LRRCC1 (leucine rich repeat and coiled-coil centrosomal protein 1; plus strand). Cytogenetic location: 8q21.2.
Variant type: single nucleotide variant.
Coding change: c.1626+1G>A on transcript NM_033402.5 (MANE Select); the canonical splice donor site of the intron after coding-DNA position 1626, G replaced by A.
Molecular consequence: splice donor variant.
Genome position (GRCh38, 1-based): chr8:85,129,380, G>A. VCF-style: chr8-85129380-G-A. GRCh37 (hg19) VCF-style: chr8-86041615-G-A.
Other names: c.1200+1G>A (NM_001349637.2); c.729+1G>A (NM_001349638.2); c.1347+1G>A (NM_001349636.2); c.489+1G>A (NM_001349639.2).
Identifiers: ClinVar variation 1427652 (VCV001427652.8), dbSNP rs760613708, ClinGen allele CA4794694.
Genomic context (GRCh38, chr8:85,129,380, plus strand): 5'-ACCCTCGAAAAAACATTAGAAAAAATGGAGAGACAAAAAAGGCAGCAGCAGGCAGCACAG[G>A]TATTTCTCTATTTTAATATATGAGTAGCACAGATTAACACAAATTCATAGCTTCTATCGT-3'

ClinVar aggregate classification (germline): Uncertain significance (1 of 4 stars; one submission).

Allele frequency attached by ClinVar (database versions not stated): TOPMed below 0.00001; gnomAD exomes 0.00001 and 0.00004; ExAC 0.00005.

Submission:

Labcorp Genetics (formerly Invitae), Labcorp
Classification: Uncertain significance. Last evaluated: 2022-07-12. Review status: criteria provided, single submitter. Criteria: Invitae Variant Classification Sherloc (09022015). Collection method: clinical testing. Allele origin: germline.
Comment: This variant is present in population databases (rs760613708, gnomAD 0.02%). In summary, the available evidence is currently insufficient to determine the role of this variant in disease. Therefore, it has been classified as a Variant of Uncertain Significance. Algorithms developed to predict the effect of sequence changes on RNA splicing suggest that this variant may disrupt the consensus splice site. ClinVar contains an entry for this variant (Variation ID: 1427652). This variant has not been reported in the literature in individuals affected with LRRCC1-related conditions. This sequence change affects a donor splice site in intron 10 of the LRRCC1 gene. It is expected to disrupt RNA splicing. Variants that disrupt the donor or acceptor splice site typically lead to a loss of protein function (PMID: 16199547), however the current clinical and genetic evidence is not sufficient to establish whether loss-of-function variants in LRRCC1 cause disease.

Literature cited by the submitters: PubMed 16199547.